The following is an entry in ClinVar:

ClinVar aggregate classification (germline): Uncertain significance. Review status: criteria provided, multiple submitters, no conflicts (2 of 4 stars). 2 submissions from 2 submitters: Uncertain significance (2). Last evaluated 2025-11-26.

Conditions:
Schaaf-Yang syndrome (SHFYNG). Also called: Arthrogryposis, distal, with hypopituitarism, intellectual disability, and facial anomalies; MAGEL2-related Prader-Willi-like syndrome. Identifiers: Orphanet 398069, MedGen C5575066, MONDO:0014243, OMIM 615547.
MAGEL2-related disorder. Also called: MAGEL2-related condition.

Allele frequency attached by ClinVar (database versions not stated): TOPMed below 0.00001; gnomAD 0.00001; gnomAD exomes 0.00001; ExAC 0.00004.
gnomAD v4.1: 16 of 1,593,418 alleles (0.001%); highest among the groups gnomAD compares: South Asian, 0.015%; 1 homozygote.

Submissions (2):

PreventionGenetics, part of Exact Sciences
Classification: Uncertain significance for MAGEL2-related condition. Last evaluated: 2025-11-26. Review status: criteria provided, single submitter. Criteria: ACMG Guidelines, 2015. Collection method: clinical testing. Allele origin: germline.
Comment: The MAGEL2 c.2119C>T variant is predicted to result in the amino acid substitution p.Pro707Ser. To our knowledge, this variant has not been reported in the literature. This variant is reported in 0.0077% of alleles in individuals of South Asian descent in gnomAD. At this time, the clinical significance of this variant is uncertain due to the absence of conclusive functional and genetic evidence.

Revvity Omics, Revvity
Classification: Uncertain significance for Schaaf-Yang syndrome. Last evaluated: 2023-12-15. Review status: criteria provided, single submitter. Criteria: ACMG Guidelines, 2015. Collection method: clinical testing. Allele origin: germline.

NM_019066.5(MAGEL2):c.2119C>T (p.Pro707Ser)

Gene: MAGEL2 (MAGE family member L2; minus strand). Cytogenetic location: 15q11.2.
Variant type: single nucleotide variant.
Coding change: c.2119C>T on transcript NM_019066.5 (MANE Select); coding-DNA position 2119, C replaced by T.
Protein change: p.Pro707Ser; replaces proline 707 with serine.
Molecular consequence: missense variant.
Genome position (GRCh38, 1-based): chr15:23,645,624, G>A on the plus strand (C>T on the coding strand, the complement: MAGEL2 is on the minus strand). VCF-style: chr15-23645624-G-A. GRCh37 (hg19) VCF-style: chr15-23890771-G-A.
Other names: c.2119C>T (NM_019066.4); short protein forms P707S.
Identifiers: ClinVar variation 2433624 (VCV002433624.6), dbSNP rs753289907, ClinGen allele CA7429960.